The following is an entry in ClinVar:

ClinVar aggregate classification (germline): Likely pathogenic (0 of 4 stars; one submission).

Conditions:
Stargardt disease (FFM). Also called: Stargardt's disease; Fundus flavimaculatus. Identifiers: Orphanet 827, MedGen C0271093, MONDO:0019353.

Submission:

Ophthalmo-Genetics Lab, Instituto de Oftalmologia Conde de Valenciana
Classification: Likely pathogenic for Stargardt disease. Last evaluated: 2022-12-19. Review status: no assertion criteria provided. Collection method: research. Allele origin: biparental. Inheritance: Autosomal recessive inheritance. Affected: yes. Observed: 1 compound heterozygote.
Comment: PP2,PP3,PP4,PM2,PM3,PMM5 ACMG Criteria

Literature cited by the submitters: PubMed 30578500.

NM_000350.3(ABCA4):c.689G>T (p.Cys230Phe)

Gene: ABCA4 (ATP binding cassette subfamily A member 4; minus strand). Cytogenetic location: 1p22.1.
Variant type: single nucleotide variant.
Coding change: c.689G>T on transcript NM_000350.3 (MANE Select); coding-DNA position 689, G replaced by T.
Protein change: p.Cys230Phe; replaces cysteine 230 with phenylalanine.
Molecular consequence: missense variant.
Genome position (GRCh38, 1-based): chr1:94,098,873, C>A on the plus strand (G>T on the coding strand, the complement: ABCA4 is on the minus strand). VCF-style: chr1-94098873-C-A. GRCh37 (hg19) VCF-style: chr1-94564429-C-A.
Other names: c.689G>T, p.Cys230Phe (NM_001425324.1); short protein forms C230F.
Identifiers: ClinVar variation 1804176 (VCV001804176.1), dbSNP rs2523965931, ClinGen allele CA341289346.
Genomic context (GRCh38, chr1:94,098,873, plus strand): 5'-AAGTCCACGTTGGCATACAGAGTGTCTTCTATCCACTGTAGGGTGCCCTGGGAGAGGGAG[C>A]ACAGGGCATAGCGCACCGTCTTTGCCCCGCGTCTCTGGCTGAAGATGATGAAGCGCTCCA-3'
Protein context (NP_000341.2, residues 220-240): RGAKTVRYAL[Cys230Phe]SLSQGTLQWI